The following is an entry in ClinVar:

NM_002968.3(SALL1):c.1364C>G (p.Ala455Gly)

Gene: SALL1 (spalt like transcription factor 1; minus strand). Cytogenetic location: 16q12.1.
Variant type: single nucleotide variant.
Coding change: c.1364C>G on transcript NM_002968.3 (MANE Select); coding-DNA position 1364, C replaced by G.
Protein change: p.Ala455Gly; replaces alanine 455 with glycine.
Molecular consequence: missense variant.
Genome position (GRCh38, 1-based): chr16:51,140,858, G>C on the plus strand (C>G on the coding strand, the complement: SALL1 is on the minus strand). VCF-style: chr16-51140858-G-C. GRCh37 (hg19) VCF-style: chr16-51174769-G-C.
Other names: c.1073C>G, p.Ala358Gly (NM_001127892.2); short protein forms A358G, A455G.
Identifiers: ClinVar variation 3011648 (VCV003011648.4), dbSNP rs756599740, ClinGen allele CA8053288.

ClinVar aggregate classification (germline): Conflicting classifications of pathogenicity. Review status: criteria provided, conflicting classifications (1 of 4 stars). 2 submissions from 2 submitters: Uncertain significance (1); Likely benign (1). Last evaluated 2025-02-18.

Conditions:
Townes syndrome (TBS). Also called: Townes-Brocks syndrome. Identifiers: Orphanet 857, MedGen C0265246, MeSH C536974, MONDO:0007142.

Allele frequency attached by ClinVar (database versions not stated): ExAC 0.00001.
gnomAD v4.1: 13 of 1,614,066 alleles (0.00081%); highest among the groups gnomAD compares: Admixed American, 0.013%; no homozygotes.

Submissions (2):

Labcorp Genetics (formerly Invitae), Labcorp
Classification: Likely benign for Townes syndrome. Last evaluated: 2025-02-18. Review status: criteria provided, single submitter. Criteria: Invitae Variant Classification Sherloc (09022015). Collection method: clinical testing. Allele origin: germline.

Women's Health and Genetics/Laboratory Corporation of America, LabCorp
Classification: Uncertain significance. Last evaluated: 2024-12-11. Review status: criteria provided, single submitter. Criteria: LabCorp Variant Classification Summary - May 2015. Collection method: clinical testing. Allele origin: germline.
Comment: Variant summary: SALL1 c.1364C>G (p.Ala455Gly) results in a non-conservative amino acid change in the encoded protein sequence. Three of five in-silico tools predict a benign effect of the variant on protein function. The variant allele was found at a frequency of 2e-05 in 251496 control chromosomes. The available data on variant occurrences in the general population are insufficient to allow any conclusion about variant significance. To our knowledge, no occurrence of c.1364C>G in individuals affected with Townes-Brocks Syndrome 1 and no experimental evidence demonstrating its impact on protein function have been reported. ClinVar contains an entry for this variant (Variation ID: 3011648). Based on the evidence outlined above, the variant was classified as uncertain significance.